The following is an entry in ClinVar:

NM_001101362.3(KBTBD13):c.89G>A (p.Gly30Asp)

Gene: KBTBD13 (kelch repeat and BTB domain containing 13; plus strand). Cytogenetic location: 15q22.31.
Variant type: single nucleotide variant.
Coding change: c.89G>A on transcript NM_001101362.3 (MANE Select); coding-DNA position 89, G replaced by A.
Protein change: p.Gly30Asp; replaces glycine 30 with aspartic acid.
Molecular consequence: missense variant.
Genome position (GRCh38, 1-based): chr15:65,076,904, G>A. VCF-style: chr15-65076904-G-A. GRCh37 (hg19) VCF-style: chr15-65369242-G-A.
Other names: p.Gly30Asp; short protein forms G30D.
Identifiers: ClinVar variation 257459 (VCV000257459.46), dbSNP rs138484272, ClinGen allele CA7613860.

ClinVar aggregate classification (germline): Benign/Likely benign. Review status: criteria provided, multiple submitters, no conflicts (2 of 4 stars). 8 submissions from 8 submitters: Benign (7); Likely benign (1). Last evaluated 2026-05-01.

Conditions:
Nemaline myopathy 6 (NEM6). Also called: Nemaline myopathy 6, autosomal dominant. Identifiers: Orphanet 171439, MedGen C1836472, MONDO:0012237, OMIM 609273.

Allele frequency attached by ClinVar (database versions not stated): 1000 Genomes Project 0.00339; gnomAD exomes 0.00446 and 0.00581; ESP Exome Variant Server 0.00289; gnomAD 0.00305 and 0.00333; 1000 Genomes Project 30x 0.00328; TOPMed 0.00334; ExAC 0.01626.

Submissions (8):

CeGaT Center for Human Genetics Tuebingen
Classification: Likely benign. Last evaluated: 2026-05-01. Review status: criteria provided, single submitter. Criteria: CeGaT Center For Human Genetics Tuebingen Variant Classification Criteria Version 2. Collection method: clinical testing. Allele origin: germline. Affected: yes. Observed: 14 variant alleles.
Comment: KBTBD13: BS2

Labcorp Genetics (formerly Invitae), Labcorp
Classification: Benign for Nemaline myopathy 6. Last evaluated: 2026-02-02. Review status: criteria provided, single submitter. Criteria: Invitae Variant Classification Sherloc (09022015). Collection method: clinical testing. Allele origin: germline.

Athena Diagnostics
Classification: Benign. Last evaluated: 2025-03-24. Review status: criteria provided, single submitter. Criteria: Athena Diagnostics Criteria. Collection method: clinical testing. Allele origin: unknown.
Comment: The frequency of this variant in the general population is higher than would generally be expected for pathogenic variants in this gene.

Illumina Laboratory Services, Illumina
Classification: Benign for Nemaline myopathy 6. Last evaluated: 2018-01-13. Review status: criteria provided, single submitter. Criteria: ICSL Variant Classification Criteria 13 December 2019. Collection method: clinical testing. Allele origin: germline.
Comment: This variant was observed in the ICSL laboratory as part of a predisposition screen in an ostensibly healthy population. It had not been previously curated by ICSL or reported in the Human Gene Mutation Database (HGMD: prior to June 1st, 2018), and was therefore a candidate for classification through an automated scoring system. Utilizing variant allele frequency, disease prevalence and penetrance estimates, and inheritance mode, an automated score was calculated to assess if this variant is too frequent to cause the disease. Based on the score and internal cut-off values, a variant classified as benign is not then subjected to further curation. The score for this variant resulted in a classification of benign for this disease.

Mayo Clinic Laboratories, Mayo Clinic
Classification: Benign. Last evaluated: 2018-01-12. Review status: criteria provided, single submitter. Criteria: ACMG Guidelines, 2015. Collection method: clinical testing. Allele origin: germline. Observed: 5 variant alleles.

GeneDx
Classification: Benign. Last evaluated: 2016-04-26. Review status: criteria provided, single submitter. Criteria: GeneDx Variant Classification (06012015). Collection method: clinical testing. Allele origin: germline. Affected: yes.
Comment: This variant is considered likely benign or benign based on one or more of the following criteria: it is a conservative change, it occurs at a poorly conserved position in the protein, it is predicted to be benign by multiple in silico algorithms, and/or has population frequency not consistent with disease.

Breakthrough Genomics
Classification: Benign. Review status: criteria provided, single submitter. Criteria: ACMG Guidelines, 2015. Collection method: not provided. Allele origin: germline. Inheritance: Autosomal dominant inheritance. Affected: yes.

PreventionGenetics, part of Exact Sciences
Classification: Benign. Review status: criteria provided, single submitter. Criteria: ACMG Guidelines, 2015. Collection method: clinical testing. Allele origin: germline.